The following is an entry in ClinVar:

ClinVar aggregate classification (germline): Uncertain significance (1 of 4 stars; one submission).

Allele frequency attached by ClinVar (database versions not stated): gnomAD exomes below 0.00001.
gnomAD v4.1: 1 of 1,612,524 alleles (0.000062%); highest among the groups gnomAD compares: East Asian, 0.0022%; no homozygotes.

Submission:

Labcorp Genetics (formerly Invitae), Labcorp
Classification: Uncertain significance. Last evaluated: 2022-02-18. Review status: criteria provided, single submitter. Criteria: Invitae Variant Classification Sherloc (09022015). Collection method: clinical testing. Allele origin: germline.
Comment: In summary, the available evidence is currently insufficient to determine the role of this variant in disease. Therefore, it has been classified as a Variant of Uncertain Significance. This sequence change replaces serine, which is neutral and polar, with asparagine, which is neutral and polar, at codon 1605 of the CPLANE1 protein (p.Ser1605Asn). This variant is not present in population databases (gnomAD no frequency). This variant has not been reported in the literature in individuals affected with CPLANE1-related conditions. Advanced modeling of protein sequence and biophysical properties (such as structural, functional, and spatial information, amino acid conservation, physicochemical variation, residue mobility, and thermodynamic stability) performed at Invitae indicates that this missense variant is not expected to disrupt CPLANE1 protein function.

NM_001384732.1(CPLANE1):c.4814G>A (p.Ser1605Asn)

Gene: CPLANE1 (ciliogenesis and planar polarity effector complex subunit 1; minus strand). Cytogenetic location: 5p13.2.
Variant type: single nucleotide variant.
Coding change: c.4814G>A on transcript NM_001384732.1 (MANE Select); coding-DNA position 4814, G replaced by A.
Protein change: p.Ser1605Asn; replaces serine 1605 with asparagine.
Molecular consequence: missense variant.
Genome position (GRCh38, 1-based): chr5:37,183,367, C>T on the plus strand (G>A on the coding strand, the complement: CPLANE1 is on the minus strand). VCF-style: chr5-37183367-C-T. GRCh37 (hg19) VCF-style: chr5-37183469-C-T.
Other names: c.4814G>A, p.Ser1605Asn (NM_023073.4); short protein forms S1605N.
Identifiers: ClinVar variation 2194234 (VCV002194234.2), dbSNP rs1783174527, ClinGen allele CA359495942.